The following is an entry in ClinVar:

ClinVar aggregate classification (germline): Conflicting classifications of pathogenicity. Review status: criteria provided, conflicting classifications (1 of 4 stars). 3 submissions from 3 submitters: Uncertain significance (1); Likely benign (1). 1 of the submissions does not count toward it. Last evaluated 2023-10-29.

Conditions:
Hereditary cancer-predisposing syndrome. Also called: Tumor predisposition; Hereditary neoplastic syndrome; Hereditary Cancer Syndrome; Neoplastic Syndromes, Hereditary. Identifiers: Orphanet 140162, MedGen C0027672, MeSH D009386, MONDO:0015356.
Hereditary breast ovarian cancer syndrome. Also called: Hereditary breast and ovarian cancer syndrome; Hereditary breast and ovarian cancer; Hereditary breast and ovarian cancer syndrome (HBOC); BRCA1- and BRCA2-Associated Hereditary Breast and Ovarian Cancer; Hereditary breast and/or ovarian cancer syndrome; Breast and ovarian cancer. Identifiers: Orphanet 145, MedGen C0677776, MeSH D061325, MONDO:0003582. Disease mechanism: loss of function.
Malignant tumor of breast. Also called: Malignant breast neoplasm; Cancer breast. Identifiers: MedGen C0006142, MONDO:0007254. Disease mechanism: loss of function.

Submissions (3):

Labcorp Genetics (formerly Invitae), Labcorp
Classification: Uncertain significance for Hereditary breast ovarian cancer syndrome. Last evaluated: 2023-10-29. Review status: criteria provided, single submitter. Criteria: Invitae Variant Classification Sherloc (09022015). Collection method: clinical testing. Allele origin: germline.
Comment: This sequence change replaces serine, which is neutral and polar, with proline, which is neutral and non-polar, at codon 1341 of the BRCA2 protein (p.Ser1341Pro). This variant is not present in population databases (gnomAD no frequency). This variant has not been reported in the literature in individuals affected with BRCA2-related conditions. ClinVar contains an entry for this variant (Variation ID: 1050570). Advanced modeling of protein sequence and biophysical properties (such as structural, functional, and spatial information, amino acid conservation, physicochemical variation, residue mobility, and thermodynamic stability) performed at Invitae indicates that this missense variant is not expected to disrupt BRCA2 protein function with a negative predictive value of 95%. In summary, the available evidence is currently insufficient to determine the role of this variant in disease. Therefore, it has been classified as a Variant of Uncertain Significance.

University of Washington Department of Laboratory Medicine, University of Washington
Classification: Likely benign for Hereditary cancer-predisposing syndrome. Last evaluated: 2023-03-23. Review status: criteria provided, single submitter. Criteria: Dines et al. (Genet Med. 2020). Collection method: curation. Allele origin: germline.
Comment: Missense variant in a coldspot region where missense variants are very unlikely to be pathogenic (PMID:31911673).

BRCA2 exon 11 coldspot. Reclassification based on statistical prior probability.

Department of Pathology and Laboratory Medicine, Sinai Health System
Classification: Uncertain significance for Malignant tumor of breast. Review status: no assertion criteria provided. Collection method: clinical testing. Allele origin: unknown. Affected: yes. Study: The Canadian Open Genetics Repository (COGR). Not counted in ClinVar's aggregate classification.
Comment: The BRCA2 p.Ser1341Pro variant was not identified in the literature nor was it identified in the following databases: dbSNP, ClinVar, Cosmic, MutDB, LOVD 3.0, UMD-LSDB, BIC Database, ARUP Laboratories, or the Zhejiang Colon Cancer Database. The variant was not identified in the control databases: the 1000 Genomes Project, the NHLBI GO Exome Sequencing Project, the Exome Aggregation Consortium (August 8th 2016), or the Genome Aggregation Database (Feb 27, 2017). The p.Ser1341 residue is conserved in mammals and computational analyses (PolyPhen-2, SIFT, AlignGVGD, BLOSUM, MutationTaster) provide inconsistent predictions regarding the impact to the protein; this information is not very predictive of pathogenicity. The variant occurs outside of the splicing consensus sequence and in silico or computational prediction software programs (SpliceSiteFinder, MaxEntScan, NNSPLICE, GeneSplicer, HumanSpliceFinder) do not predict a difference in splicing. In summary, based on the above information the clinical significance of this variant cannot be determined with certainty at this time. This variant is classified as a variant of uncertain significance.

NM_000059.4(BRCA2):c.4021T>C (p.Ser1341Pro)

Gene: BRCA2 (BRCA2 DNA repair associated; plus strand). Cytogenetic location: 13q13.1.
Variant type: single nucleotide variant.
Coding change: c.4021T>C on transcript NM_000059.4 (MANE Select); coding-DNA position 4021, T replaced by C.
Protein change: p.Ser1341Pro; replaces serine 1341 with proline.
Molecular consequence: missense variant.
Genome position (GRCh38, 1-based): chr13:32,338,376, T>C. VCF-style: chr13-32338376-T-C. GRCh37 (hg19) VCF-style: chr13-32912513-T-C.
Other names: short protein forms S1341P.
Identifiers: ClinVar variation 1050570 (VCV001050570.7), dbSNP rs2137502159, ClinGen allele CA387779043.
Genomic context (GRCh38, chr13:32,338,376, plus strand): 5'-GATAACAAATATACTGCTGCCAGTAGAAATTCTCATAACTTAGAATTTGATGGCAGTGAT[T>C]CAAGTAAAAATGATACTGTTTGTATTCATAAAGATGAAACGGACTTGCTATTTACTGATC-3'
Protein context (NP_000050.3, residues 1331-1351): SHNLEFDGSD[Ser1341Pro]SKNDTVCIHK